The following is an entry in ClinVar:

ClinVar aggregate classification (germline): Uncertain significance (1 of 4 stars; one submission).

Submission:

Labcorp Genetics (formerly Invitae), Labcorp
Classification: Uncertain significance. Last evaluated: 2024-05-13. Review status: criteria provided, single submitter. Criteria: Invitae Variant Classification Sherloc (09022015). Collection method: clinical testing. Allele origin: germline.
Comment: This variant, c.156_179del, results in the deletion of 8 amino acid(s) of the RCOR1 protein (p.Ser53_Ser60del), but otherwise preserves the integrity of the reading frame. The frequency data for this variant in the population databases is considered unreliable, as metrics indicate poor data quality at this position in the gnomAD database. This variant has not been reported in the literature in individuals affected with RCOR1-related conditions. Experimental studies and prediction algorithms are not available or were not evaluated, and the functional significance of this variant is currently unknown. In summary, the available evidence is currently insufficient to determine the role of this variant in disease. Therefore, it has been classified as a Variant of Uncertain Significance.

NM_015156.4(RCOR1):c.156_179del (p.Ser53_Ser60del)

Genes: RCOR1 (REST corepressor 1; plus strand), LOC130056530 (ATAC-STARR-seq lymphoblastoid silent region 6127; plus strand). Cytogenetic location: 14q32.31.
Variant type: Deletion.
Coding change: c.156_179del on transcript NM_015156.4 (MANE Select); coding-DNA positions 156 to 179, 24 bases deleted (CTCAGCCTCGGCCGCCGCCGCCTC).
Protein change: p.Ser53_Ser60del.
Molecular consequence: inframe deletion.
Genome position (GRCh38, 1-based): chr14:102,593,042-102,593,065, CTCAGCCTCGGCCGCCGCCGCCTC deleted; deleting any 24 consecutive bases within chr14:102,593,030-102,593,065 gives the same sequence; the c. name uses the placement nearest the transcript's 3' end. VCF-style (leftmost placement, unchanged base first): chr14-102593029-GCGCCGCCGCCTCCTCAGCCTCGGC-G. GRCh37 (hg19) VCF-style: chr14-103059366-GCGCCGCCGCCTCCTCAGCCTCGGC-G.
Identifiers: ClinVar variation 3605570 (VCV003605570.2).